The following is an entry in ClinVar:

ClinVar aggregate classification (germline): Uncertain significance (1 of 4 stars; one submission).

Conditions:
Hyperphosphatasia with intellectual disability syndrome 5 (GPIBD11). Also called: GLYCOSYLPHOSPHATIDYLINOSITOL BIOSYNTHESIS DEFECT 11. Identifiers: Orphanet 247262, MedGen C4014958, MONDO:0014457, OMIM 616025.

Allele frequency attached by ClinVar (database versions not stated): gnomAD exomes below 0.00001; ExAC 0.00001.
gnomAD v4.1: 7 of 1,614,048 alleles (0.00043%); highest among the groups gnomAD compares: South Asian, 0.0077%; no homozygotes.

Submission:

Labcorp Genetics (formerly Invitae), Labcorp
Classification: Uncertain significance for Hyperphosphatasia with intellectual disability syndrome 5. Last evaluated: 2024-10-28. Review status: criteria provided, single submitter. Criteria: Invitae Variant Classification Sherloc (09022015). Collection method: clinical testing. Allele origin: germline.
Comment: This sequence change replaces asparagine, which is neutral and polar, with isoleucine, which is neutral and non-polar, at codon 302 of the PIGW protein (p.Asn302Ile). This variant is present in population databases (rs773486077, gnomAD 0.003%). This variant has not been reported in the literature in individuals affected with PIGW-related conditions. ClinVar contains an entry for this variant (Variation ID: 1463508). Invitae Evidence Modeling of protein sequence and biophysical properties (such as structural, functional, and spatial information, amino acid conservation, physicochemical variation, residue mobility, and thermodynamic stability) indicates that this missense variant is expected to disrupt PIGW protein function with a positive predictive value of 80%. In summary, the available evidence is currently insufficient to determine the role of this variant in disease. Therefore, it has been classified as a Variant of Uncertain Significance.

NM_001346754.2(PIGW):c.905A>T (p.Asn302Ile)

Genes: MYO19 (myosin XIX; minus strand), PIGW (phosphatidylinositol glycan anchor biosynthesis class W; plus strand). Cytogenetic location: 17q12.
Variant type: single nucleotide variant.
Coding change: c.905A>T on transcript NM_001346754.2 (MANE Select); coding-DNA position 905, A replaced by T.
Protein change: p.Asn302Ile; replaces asparagine 302 with isoleucine.
Molecular consequence: missense variant.
Genome position (GRCh38, 1-based): chr17:36,538,006, A>T. VCF-style: chr17-36538006-A-T. GRCh37 (hg19) VCF-style: chr17-34893855-A-T.
Other names: c.905A>T, p.Asn302Ile (NM_001346755.2, NM_178517.5); short protein forms N302I.
Identifiers: ClinVar variation 1463508 (VCV001463508.8), dbSNP rs773486077, ClinGen allele CA290116357.